The following is an entry in ClinVar:

ClinVar aggregate classification (germline): Uncertain significance (1 of 4 stars; one submission).

Allele frequency attached by ClinVar (database versions not stated): gnomAD 0.00001; gnomAD exomes 0.00001 and 0.00002; TOPMed 0.00001.

Submission:

Labcorp Genetics (formerly Invitae), Labcorp
Classification: Uncertain significance. Last evaluated: 2025-07-30. Review status: criteria provided, single submitter. Criteria: Invitae Variant Classification Sherloc (09022015). Collection method: clinical testing. Allele origin: germline.
Comment: This sequence change replaces asparagine, which is neutral and polar, with aspartic acid, which is acidic and polar, at codon 250 of the GATA5 protein (p.Asn250Asp). The frequency data for this variant in the population databases is considered unreliable, as metrics indicate poor data quality at this position in the gnomAD database. This variant has not been reported in the literature in individuals affected with GATA5-related conditions. ClinVar contains an entry for this variant (Variation ID: 1464376). Invitae Evidence Modeling of protein sequence and biophysical properties (such as structural, functional, and spatial information, amino acid conservation, physicochemical variation, residue mobility, and thermodynamic stability) indicates that this missense variant is expected to disrupt GATA5 protein function with a positive predictive value of 80%. In summary, the available evidence is currently insufficient to determine the role of this variant in disease. Therefore, it has been classified as a Variant of Uncertain Significance.

NM_080473.5(GATA5):c.748A>G (p.Asn250Asp)

Gene: GATA5 (GATA binding protein 5; minus strand). Cytogenetic location: 20q13.33.
Variant type: single nucleotide variant.
Coding change: c.748A>G on transcript NM_080473.5 (MANE Select); coding-DNA position 748, A replaced by G.
Protein change: p.Asn250Asp; replaces asparagine 250 with aspartic acid.
Molecular consequence: missense variant.
Genome position (GRCh38, 1-based): chr20:62,466,503, T>C on the plus strand (A>G on the coding strand, the complement: GATA5 is on the minus strand). VCF-style: chr20-62466503-T-C. GRCh37 (hg19) VCF-style: chr20-61041559-T-C.
Other names: short protein forms N250D.
Identifiers: ClinVar variation 1464376 (VCV001464376.6), dbSNP rs1313801151, ClinGen allele CA409553984.